The following is an entry in ClinVar:

NM_020247.5(COQ8A):c.853+13G>A

Gene: COQ8A (coenzyme Q8A; plus strand). Cytogenetic location: 1q42.13.
Variant type: single nucleotide variant.
Coding change: c.853+13G>A on transcript NM_020247.5 (MANE Select); 13 bases into the intron after coding-DNA position 853, G replaced by A.
Molecular consequence: intron variant.
Genome position (GRCh38, 1-based): chr1:226,982,162, G>A. VCF-style: chr1-226982162-G-A. GRCh37 (hg19) VCF-style: chr1-227169863-G-A.
Identifiers: ClinVar variation 517871 (VCV000517871.5), dbSNP rs374691420, ClinGen allele CA1425175.

ClinVar aggregate classification (germline): Likely benign. Review status: criteria provided, multiple submitters, no conflicts (2 of 4 stars). 2 submissions from 2 submitters: Likely benign (2). Last evaluated 2026-01-05.

Allele frequency attached by ClinVar (database versions not stated): gnomAD exomes 0.00006 and 0.00007; ExAC 0.00007; ESP Exome Variant Server 0.00008; gnomAD 0.00008 and 0.00009; TOPMed 0.00009.
gnomAD v4.1: 89 of 1,566,514 alleles (0.0057%); highest among the groups gnomAD compares: African/African-American, 0.015%; no homozygotes.

Submissions (2):

Labcorp Genetics (formerly Invitae), Labcorp
Classification: Likely benign. Last evaluated: 2026-01-05. Review status: criteria provided, single submitter. Criteria: Invitae Variant Classification Sherloc (09022015). Collection method: clinical testing. Allele origin: germline.

GeneDx
Classification: Likely benign. Last evaluated: 2017-05-30. Review status: criteria provided, single submitter. Criteria: GeneDx Variant Classification (06012015). Collection method: clinical testing. Allele origin: germline. Affected: yes.
Comment: This variant is considered likely benign or benign based on one or more of the following criteria: it is a conservative change, it occurs at a poorly conserved position in the protein, it is predicted to be benign by multiple in silico algorithms, and/or has population frequency not consistent with disease.